The following is an entry in ClinVar:

NM_001130438.3(SPTAN1):c.3262G>A (p.Glu1088Lys)

Gene: SPTAN1 (spectrin alpha, non-erythrocytic 1; plus strand). Cytogenetic location: 9q34.11.
Variant type: single nucleotide variant.
Coding change: c.3262G>A on transcript NM_001130438.3 (MANE Select); coding-DNA position 3262, G replaced by A.
Protein change: p.Glu1088Lys; replaces glutamic acid 1088 with lysine.
Molecular consequence: missense variant.
Genome position (GRCh38, 1-based): chr9:128,594,221, G>A. VCF-style: chr9-128594221-G-A. GRCh37 (hg19) VCF-style: chr9-131356500-G-A.
Other names: c.3202G>A, p.Glu1068Lys (NM_001195532.2, NM_001363765.2); c.3262G>A, p.Glu1088Lys (NM_001363759.2, NM_003127.4); short protein forms E1088K, E1068K.
Identifiers: ClinVar variation 432528 (VCV000432528.1), dbSNP rs780374369, ClinGen allele CA375061765.

ClinVar aggregate classification (germline): Uncertain significance (1 of 4 stars; one submission).

Submission:

GeneDx
Classification: Uncertain significance. Last evaluated: 2017-06-06. Review status: criteria provided, single submitter. Criteria: GeneDx Variant Classification (06012015). Collection method: clinical testing. Allele origin: germline. Affected: yes.
Comment: A variant of uncertain significance has been identified in the SPTAN1 gene. The E1088K variant has not been published as a pathogenic variant, nor has it been reported as a benign variant to our knowledge. The E1088K variant is not observed in large population cohorts (Lek et al., 2016; 1000 Genomes Consortium et al., 2015; Exome Variant Server). The E1088K variant is a non-conservative amino acid substitution, which is likely to impact secondary protein structure as these residues differ in polarity, charge, size and/or other properties. This substitution occurs at a position that is conserved across species. However, previously reported pathogenic variants in SPTAN1 include in-frame deletions or duplications located within the last four spectrin repeats of the protein, which are essential for dimerization (Saitsu et al., 2010), and the E1088K residue is outside this region. In silico analysis is inconsistent in its predictions as to whether or not the variant is damaging to the protein structure/function. Therefore, based on the currently available information, it is unclear whether this variant is a pathogenic variant or a rare benign variant.